The following is an entry in ClinVar:

NM_014458.4(KLHL20):c.26G>T (p.Cys9Phe)

Gene: KLHL20 (kelch like family member 20; plus strand). Cytogenetic location: 1q25.1.
Variant type: single nucleotide variant.
Coding change: c.26G>T on transcript NM_014458.4 (MANE Select); coding-DNA position 26, G replaced by T.
Protein change: p.Cys9Phe; replaces cysteine 9 with phenylalanine.
Molecular consequence: missense variant.
Genome position (GRCh38, 1-based): chr1:173,733,715, G>T. VCF-style: chr1-173733715-G-T. GRCh37 (hg19) VCF-style: chr1-173702854-G-T.
Other names: short protein forms C9F.
Identifiers: ClinVar variation 2663248 (VCV002663248.1), dbSNP rs149944512, ClinGen allele CA343812477.

ClinVar aggregate classification (germline): Uncertain significance (1 of 4 stars; one submission).

Submission:

GeneDx
Classification: Uncertain significance. Last evaluated: 2023-05-11. Review status: criteria provided, single submitter. Criteria: GeneDx Variant Classification Process June 2021. Collection method: clinical testing. Allele origin: germline. Affected: yes.
Comment: Not observed at significant frequency in large population cohorts (gnomAD); In silico analysis supports that this missense variant does not alter protein structure/function; Has not been previously published as pathogenic or benign to our knowledge